The following is an entry in ClinVar:

NM_000027.4(AGA):c.276G>A (p.Met92Ile)

Gene: AGA (aspartylglucosaminidase; minus strand). Cytogenetic location: 4q34.3.
Variant type: single nucleotide variant.
Coding change: c.276G>A on transcript NM_000027.4 (MANE Select); coding-DNA position 276, G replaced by A.
Protein change: p.Met92Ile; replaces methionine 92 with isoleucine.
Molecular consequence: missense variant. On other transcripts: non-coding transcript variant (1).
Genome position (GRCh38, 1-based): chr4:177,440,278, C>T on the plus strand (G>A on the coding strand, the complement: AGA is on the minus strand). VCF-style: chr4-177440278-C-T. GRCh37 (hg19) VCF-style: chr4-178361432-C-T.
Other names: c.276G>A, p.Met92Ile (NM_001171988.2); short protein forms M92I.
Identifiers: ClinVar variation 2051720 (VCV002051720.2), dbSNP rs150912713, ClinGen allele CA3146982.

ClinVar aggregate classification (germline): Uncertain significance. Review status: criteria provided, multiple submitters, no conflicts (2 of 4 stars). 2 submissions from 2 submitters: Uncertain significance (2). Last evaluated 2024-11-18.

Conditions:
Aspartylglucosaminuria (AGU). Also called: Aspartylglucos-aminuria; Aspartylglucos-amidase (AGA) deficiency; AGA DEFICIENCY; GLYCOASPARAGINASE; GLYCOSYLASPARAGINASE DEFICIENCY. Identifiers: Orphanet 93, MedGen C0268225, MONDO:0008830, OMIM 208400, HP:0012068.

Allele frequency attached by ClinVar (database versions not stated): ExAC 0.00026; gnomAD 0.00026; TOPMed 0.00028; 1000 Genomes Project 30x 0.00031; 1000 Genomes Project 0.00040; gnomAD exomes 0.00046; ESP Exome Variant Server 0.00054.
gnomAD v4.1: 714 of 1,613,906 alleles (0.044%); highest among the groups gnomAD compares: Non-Finnish European, 0.057%; no homozygotes.

Submissions (2):

Blueprint Genetics
Classification: Uncertain significance. Last evaluated: 2024-11-18. Review status: criteria provided, single submitter. Criteria: ACMG Guidelines, 2015. Collection method: clinical testing. Allele origin: germline.

Labcorp Genetics (formerly Invitae), Labcorp
Classification: Uncertain significance for Aspartylglucosaminuria. Last evaluated: 2022-07-18. Review status: criteria provided, single submitter. Criteria: Invitae Variant Classification Sherloc (09022015). Collection method: clinical testing. Allele origin: germline.
Comment: This sequence change replaces methionine, which is neutral and non-polar, with isoleucine, which is neutral and non-polar, at codon 92 of the AGA protein (p.Met92Ile). This variant is present in population databases (rs150912713, gnomAD 0.04%). This variant has not been reported in the literature in individuals affected with AGA-related conditions. Algorithms developed to predict the effect of missense changes on protein structure and function (SIFT, PolyPhen-2, Align-GVGD) all suggest that this variant is likely to be tolerated. Algorithms developed to predict the effect of sequence changes on RNA splicing suggest that this variant may create or strengthen a splice site. In summary, the available evidence is currently insufficient to determine the role of this variant in disease. Therefore, it has been classified as a Variant of Uncertain Significance.